The following is an entry in ClinVar:

ClinVar aggregate classification (germline): Uncertain significance (1 of 4 stars; one submission).

Conditions:
Arrhythmogenic right ventricular dysplasia 8 (ARVD8). Also called: Arrhythmogenic Right Ventricular Dysplasia/Cardiomyopathy 8; ARRHYTHMOGENIC RIGHT VENTRICULAR DYSPLASIA, FAMILIAL, 8; ARRHYTHMOGENIC RIGHT VENTRICULAR CARDIOMYOPATHY 8. Identifiers: MedGen C1843896, MONDO:0011831, OMIM 607450.
Arrhythmogenic cardiomyopathy with wooly hair and keratoderma. Also called: PALMOPLANTAR KERATODERMA WITH LEFT VENTRICULAR CARDIOMYOPATHY AND WOOLLY HAIR; Arrhythmogenic cardiomyopathy with woolly hair and keratoderma; Carvajal syndrome; Dilated cardiomyopathy with woolly hair and keratoderma. Identifiers: Orphanet 65282, MedGen C1854063, MONDO:0011581, OMIM 605676.

Submission:

Labcorp Genetics (formerly Invitae), Labcorp
Classification: Uncertain significance for Arrhythmogenic cardiomyopathy with wooly hair and keratoderma; Arrhythmogenic right ventricular dysplasia 8. Last evaluated: 2022-12-16. Review status: criteria provided, single submitter. Criteria: Invitae Variant Classification Sherloc (09022015). Collection method: clinical testing. Allele origin: germline.
Comment: This sequence change replaces arginine, which is basic and polar, with glycine, which is neutral and non-polar, at codon 1738 of the DSP protein (p.Arg1738Gly). This variant is not present in population databases (gnomAD no frequency). This variant has not been reported in the literature in individuals affected with DSP-related conditions. ClinVar contains an entry for this variant (Variation ID: 1487118). Algorithms developed to predict the effect of missense changes on protein structure and function (SIFT, PolyPhen-2, Align-GVGD) all suggest that this variant is likely to be tolerated. In summary, the available evidence is currently insufficient to determine the role of this variant in disease. Therefore, it has been classified as a Variant of Uncertain Significance.

NM_004415.4(DSP):c.5212C>G (p.Arg1738Gly)

Gene: DSP (desmoplakin; plus strand). Cytogenetic location: 6p24.3.
Variant type: single nucleotide variant.
Coding change: c.5212C>G on transcript NM_004415.4 (MANE Select); coding-DNA position 5212, C replaced by G.
Protein change: p.Arg1738Gly; replaces arginine 1738 with glycine.
Molecular consequence: missense variant. On other transcripts: intron variant (2).
Genome position (GRCh38, 1-based): chr6:7,581,402, C>G. VCF-style: chr6-7581402-C-G. GRCh37 (hg19) VCF-style: chr6-7581635-C-G.
Other names: c.4050+1162C>G (NM_001319034.2); c.3583-1240C>G (NM_001008844.3); short protein forms R1738G.
Identifiers: ClinVar variation 1487118 (VCV001487118.6), dbSNP rs794728124, ClinGen allele CA362688097.